The following is an entry in ClinVar:

ClinVar aggregate classification (germline): Uncertain significance (1 of 4 stars; one submission).

Conditions:
Familial thoracic aortic aneurysm and aortic dissection (TAAD). Also called: Thoracic aortic aneurysms and dissections. Identifiers: Orphanet 91387, MedGen C4707243, MONDO:0019625.

gnomAD v4.1: 2 of 1,614,202 alleles (0.00012%); highest among the groups gnomAD compares: Non-Finnish European, 0.00017%; no homozygotes.

Submission:

Ambry Genetics
Classification: Uncertain significance for Familial thoracic aortic aneurysm and aortic dissection. Last evaluated: 2025-11-25. Review status: criteria provided, single submitter. Criteria: Ambry Variant Classification Scheme 2023. Collection method: clinical testing. Allele origin: germline.
Comment: The p.S1675L variant (also known as c.5024C>T), located in coding exon 27 of the MYLK gene, results from a C to T substitution at nucleotide position 5024. The serine at codon 1675 is replaced by leucine, an amino acid with dissimilar properties. This amino acid position is conserved. In addition, this alteration is predicted to be deleterious by in silico analysis. Based on the available evidence, the clinical significance of this variant remains unclear.

NM_053025.4(MYLK):c.5024C>T (p.Ser1675Leu)

Genes: MYLK (myosin light chain kinase; minus strand), MYLK-AS1 (MYLK antisense RNA 1; plus strand), LOC126806791 (MED14-independent group 3 enhancer GRCh37_chr3:123347871-123349070; plus strand). Cytogenetic location: 3q21.1.
Variant type: single nucleotide variant.
Coding change: c.5024C>T on transcript NM_053025.4 (MANE Select); coding-DNA position 5024, C replaced by T.
Protein change: p.Ser1675Leu; replaces serine 1675 with leucine.
Molecular consequence: missense variant. On other transcripts: non-coding transcript variant (2), intron variant (2).
Genome position (GRCh38, 1-based): chr3:123,629,564, G>A on the plus strand (C>T on the coding strand, the complement: MYLK is on the minus strand). VCF-style: chr3-123629564-G-A. GRCh37 (hg19) VCF-style: chr3-123348411-G-A.
Other names: c.4496C>T, p.Ser1499Leu (NM_001321309.2); c.4817C>T, p.Ser1606Leu (NM_053026.4); c.4755-2623C>T (NM_053028.4); c.4962-2623C>T (NM_053027.4); short protein forms S1675L, S1499L, S1606L.
Identifiers: ClinVar variation 4635450 (VCV004635450.1).